The following is an entry in ClinVar:

ClinVar aggregate classification (germline): Uncertain significance (1 of 4 stars; one submission).

gnomAD v4.1: 1 of 1,611,020 alleles (0.000062%); highest among the groups gnomAD compares: Non-Finnish European, 0.000085%; no homozygotes.

Submission:

Labcorp Genetics (formerly Invitae), Labcorp
Classification: Uncertain significance. Last evaluated: 2024-04-05. Review status: criteria provided, single submitter. Criteria: Invitae Variant Classification Sherloc (09022015). Collection method: clinical testing. Allele origin: germline.
Comment: This sequence change replaces threonine, which is neutral and polar, with lysine, which is basic and polar, at codon 217 of the NLRP1 protein (p.Thr217Lys). This variant is not present in population databases (gnomAD no frequency). This variant has not been reported in the literature in individuals affected with NLRP1-related conditions. Algorithms developed to predict the effect of missense changes on protein structure and function output the following: SIFT: "Not Available"; PolyPhen-2: "Benign"; Align-GVGD: "Not Available". The lysine amino acid residue is found in multiple mammalian species, which suggests that this missense change does not adversely affect protein function. In summary, the available evidence is currently insufficient to determine the role of this variant in disease. Therefore, it has been classified as a Variant of Uncertain Significance.

NM_033004.4(NLRP1):c.650C>A (p.Thr217Lys)

Gene: NLRP1 (NLR family pyrin domain containing 1; minus strand). Cytogenetic location: 17p13.2.
Variant type: single nucleotide variant.
Coding change: c.650C>A on transcript NM_033004.4 (MANE Select); coding-DNA position 650, C replaced by A.
Protein change: p.Thr217Lys; replaces threonine 217 with lysine.
Molecular consequence: missense variant.
Genome position (GRCh38, 1-based): chr17:5,581,861, G>T on the plus strand (C>A on the coding strand, the complement: NLRP1 is on the minus strand). VCF-style: chr17-5581861-G-T. GRCh37 (hg19) VCF-style: chr17-5485181-G-T.
Other names: c.650C>A, p.Thr217Lys (NM_001033053.3, NM_014922.5, NM_033006.4 and 1 more transcripts); short protein forms T217K.
Identifiers: ClinVar variation 3648922 (VCV003648922.2).